The following is an entry in ClinVar:

NM_001276270.2(MBD4):c.1647+4A>C

Gene: MBD4 (methyl-CpG binding domain 4, DNA glycosylase; minus strand). Cytogenetic location: 3q21.3.
Variant type: single nucleotide variant.
Coding change: c.1647+4A>C on transcript NM_001276270.2 (MANE Select); 4 bases into the intron after coding-DNA position 1647, A replaced by C.
Molecular consequence: intron variant. On other transcripts: synonymous variant (1).
Genome position (GRCh38, 1-based): chr3:129,432,499, T>G on the plus strand (A>C on the coding strand, the complement: MBD4 is on the minus strand). VCF-style: chr3-129432499-T-G. GRCh37 (hg19) VCF-style: chr3-129151342-T-G.
Other names: c.1669A>C, p.Arg557= (NM_001276271.2); c.711+4A>C (NM_001276273.2); c.1612+57A>C (NM_001276272.2); c.1665+4A>C (NM_003925.3).
Identifiers: ClinVar variation 3870883 (VCV003870883.1).

ClinVar aggregate classification (germline): Uncertain significance (1 of 4 stars; one submission).

Conditions:
Inborn genetic diseases. Identifiers: MedGen C0950123, MeSH D030342.

Submission:

Ambry Genetics
Classification: Uncertain significance for Inborn genetic diseases. Last evaluated: 2025-01-22. Review status: criteria provided, single submitter. Criteria: Ambry Variant Classification Scheme 2023. Collection method: clinical testing. Allele origin: germline.
Comment: The c.1647+4A>C intronic variant results from an A to C substitution 4 nucleotides after coding exon 7 in the MBD4 gene. This nucleotide position is well conserved in available vertebrate species. In silico splice site analysis predicts that this alteration may weaken the native splice donor site. Based on the available evidence, the clinical significance of this variant remains unclear.